The following is an entry in ClinVar:

NM_006206.6(PDGFRA):c.1823T>C (p.Val608Ala)

Gene: PDGFRA (platelet derived growth factor receptor alpha; plus strand). Cytogenetic location: 4q12.
Variant type: single nucleotide variant.
Coding change: c.1823T>C on transcript NM_006206.6 (MANE Select); coding-DNA position 1823, T replaced by C.
Protein change: p.Val608Ala; replaces valine 608 with alanine.
Molecular consequence: missense variant.
Genome position (GRCh38, 1-based): chr4:54,277,424, T>C. VCF-style: chr4-54277424-T-C. GRCh37 (hg19) VCF-style: chr4-55143591-T-C.
Other names: c.1823T>C, p.Val608Ala (NM_001347827.2, NM_001347829.2); c.1898T>C, p.Val633Ala (NM_001347828.2); c.1862T>C, p.Val621Ala (NM_001347830.2); short protein forms V608A, V621A, V633A.
Identifiers: ClinVar variation 574827 (VCV000574827.10), dbSNP rs1560482703, ClinGen allele CA356893401.

ClinVar aggregate classification (germline): Uncertain significance. Review status: criteria provided, multiple submitters, no conflicts (2 of 4 stars). 2 submissions from 2 submitters: Uncertain significance (2). Last evaluated 2024-04-15.

Conditions:
Gastrointestinal stromal tumor. Also called: Gastrointestinal stromal tumor, somatic; Gastrointestinal stroma tumor. Identifiers: Orphanet 44890, MedGen C0238198, MeSH D046152, MONDO:0011719, OMIM 606764, HP:0100723.
Hereditary cancer-predisposing syndrome. Also called: Hereditary Cancer Syndrome; Tumor predisposition; Neoplastic Syndromes, Hereditary; Hereditary neoplastic syndrome. Identifiers: Orphanet 140162, MedGen C0027672, MeSH D009386, MONDO:0015356.

Submissions (2):

Ambry Genetics
Classification: Uncertain significance for Hereditary cancer-predisposing syndrome. Last evaluated: 2024-04-15. Review status: criteria provided, single submitter. Criteria: Ambry Variant Classification Scheme 2023. Collection method: clinical testing. Allele origin: germline.
Comment: The p.V608A variant (also known as c.1823T>C), located in coding exon 12 of the PDGFRA gene, results from a T to C substitution at nucleotide position 1823. The valine at codon 608 is replaced by alanine, an amino acid with similar properties. This amino acid position is conserved. In addition, this alteration is predicted to be deleterious by in silico analysis. Based on the available evidence, the clinical significance of this variant remains unclear.

Labcorp Genetics (formerly Invitae), Labcorp
Classification: Uncertain significance for Gastrointestinal stromal tumor. Last evaluated: 2018-02-08. Review status: criteria provided, single submitter. Criteria: Invitae Variant Classification Sherloc (09022015). Collection method: clinical testing. Allele origin: germline.
Comment: This variant has not been reported in the literature in individuals with PDGFRA-related disease. In summary, the available evidence is currently insufficient to determine the role of this variant in disease. Therefore, it has been classified as a Variant of Uncertain Significance. Algorithms developed to predict the effect of missense changes on protein structure and function (SIFT, PolyPhen-2, Align-GVGD) all suggest that this variant is likely to be disruptive, but these predictions have not been confirmed by published functional studies and their clinical significance is uncertain. This variant is not present in population databases (ExAC no frequency). This sequence change replaces valine with alanine at codon 608 of the PDGFRA protein (p.Val608Ala). The valine residue is highly conserved and there is a small physicochemical difference between valine and alanine.